The following is an entry in ClinVar:

NM_014236.4(GNPAT):c.163T>C (p.Tyr55His)

Gene: GNPAT (glyceronephosphate O-acyltransferase; plus strand). Cytogenetic location: 1q42.2.
Variant type: single nucleotide variant.
Coding change: c.163T>C on transcript NM_014236.4 (MANE Select); coding-DNA position 163, T replaced by C.
Protein change: p.Tyr55His; replaces tyrosine 55 with histidine.
Molecular consequence: missense variant. On other transcripts: intron variant (1).
Genome position (GRCh38, 1-based): chr1:231,251,045, T>C. VCF-style: chr1-231251045-T-C. GRCh37 (hg19) VCF-style: chr1-231386791-T-C.
Other names: c.79-9462T>C (NM_001316350.2); short protein forms Y55H.
Identifiers: ClinVar variation 3731032 (VCV003731032.1).

ClinVar aggregate classification (germline): Uncertain significance (1 of 4 stars; one submission).

gnomAD v4.1: 43 of 1,596,556 alleles (0.0027%); highest among the groups gnomAD compares: Non-Finnish European, 0.0032%; no homozygotes.

Submission:

GeneDx
Classification: Uncertain significance. Last evaluated: 2024-08-12. Review status: criteria provided, single submitter. Criteria: GeneDx Variant Classification Process June 2021. Collection method: clinical testing. Allele origin: germline. Affected: yes.
Comment: Not observed at significant frequency in large population cohorts (gnomAD); In silico analysis supports that this missense variant has a deleterious effect on protein structure/function; Has not been previously published as pathogenic or benign to our knowledge